The following is an entry in ClinVar:

ClinVar aggregate classification (germline): Uncertain significance (1 of 4 stars; one submission).

Allele frequency attached by ClinVar (database versions not stated): gnomAD exomes below 0.00001.
gnomAD v4.1: 3 of 1,211,223 alleles (0.00025%); highest among the groups gnomAD compares: Non-Finnish European, 0.00034%; no homozygotes.

Submission:

Labcorp Genetics (formerly Invitae), Labcorp
Classification: Uncertain significance. Last evaluated: 2025-06-12. Review status: criteria provided, single submitter. Criteria: Invitae Variant Classification Sherloc (09022015). Collection method: clinical testing. Allele origin: germline.
Comment: This sequence change replaces histidine, which is basic and polar, with tyrosine, which is neutral and polar, at codon 208 of the FRMD7 protein (p.His208Tyr). This variant is not present in population databases (gnomAD no frequency). This variant has not been reported in the literature in individuals affected with FRMD7-related conditions. ClinVar contains an entry for this variant (Variation ID: 2915636). An algorithm developed to predict the effect of missense changes on protein structure and function (PolyPhen-2) suggests that this variant is likely to be disruptive. In summary, the available evidence is currently insufficient to determine the role of this variant in disease. Therefore, it has been classified as a Variant of Uncertain Significance.

NM_194277.3(FRMD7):c.622C>T (p.His208Tyr)

Gene: FRMD7 (FERM domain containing 7; minus strand). Cytogenetic location: Xq26.2.
Variant type: single nucleotide variant.
Coding change: c.622C>T on transcript NM_194277.3 (MANE Select); coding-DNA position 622, C replaced by T.
Protein change: p.His208Tyr; replaces histidine 208 with tyrosine.
Molecular consequence: missense variant.
Genome position (GRCh38, 1-based): chrX:132,085,604, G>A on the plus strand (C>T on the coding strand, the complement: FRMD7 is on the minus strand). VCF-style: chrX-132085604-G-A. GRCh37 (hg19) VCF-style: chrX-131219632-G-A.
Other names: c.577C>T, p.His193Tyr (NM_001306193.2); short protein forms H193Y, H208Y.
Identifiers: ClinVar variation 2915636 (VCV002915636.3), dbSNP rs2520754064, ClinGen allele CA414680984.